The following is an entry in ClinVar:

ClinVar aggregate classification (germline): Benign/Likely benign. Review status: criteria provided, multiple submitters, no conflicts (2 of 4 stars). 10 submissions from 10 submitters: Benign (1); Likely benign (8). 1 of the submissions does not count toward it. Last evaluated 2026-01-19.

Conditions:
ATM-related disorder. Also called: ATM-related disorders; ATM-related condition.
Hereditary cancer-predisposing syndrome. Also called: Tumor predisposition; Hereditary neoplastic syndrome; Neoplastic Syndromes, Hereditary; Hereditary Cancer Syndrome. Identifiers: Orphanet 140162, MedGen C0027672, MeSH D009386, MONDO:0015356.
Ataxia-telangiectasia syndrome (AT). Also called: Ataxia-telangiectasia, complementation group E; AT, COMPLEMENTATION GROUP C; ATAXIA-TELANGIECTASIA, COMPLEMENTATION GROUP A; ATAXIA-TELANGIECTASIA, FRESNO VARIANT; Ataxia-telangiectasia; LOUIS-BAR SYNDROME. Identifiers: Orphanet 100, MedGen C0004135, MONDO:0008840, OMIM 208900.
Familial cancer of breast. Also called: hereditary breast carcinoma; Hereditary breast cancer; BREAST CANCER, FAMILIAL. Identifiers: Orphanet 227535, MedGen C0346153, MONDO:0016419, OMIM 114480. Disease mechanism: loss of function.

Allele frequency attached by ClinVar (database versions not stated): gnomAD 0.00001; ExAC 0.00002; gnomAD exomes 0.00003 and 0.00007; TOPMed 0.00003.

Submissions (10):

Labcorp Genetics (formerly Invitae), Labcorp
Classification: Likely benign for Ataxia-telangiectasia syndrome. Last evaluated: 2026-01-19. Review status: criteria provided, single submitter. Criteria: Invitae Variant Classification Sherloc (09022015). Collection method: clinical testing. Allele origin: germline.

Quest Diagnostics Nichols Institute San Juan Capistrano
Classification: Likely benign. Last evaluated: 2025-04-03. Review status: criteria provided, single submitter. Criteria: Quest Diagnostics criteria. Collection method: clinical testing. Allele origin: unknown.

ARUP Laboratories, Molecular Genetics and Genomics, ARUP Laboratories
Classification: Likely benign. Last evaluated: 2024-11-15. Review status: criteria provided, single submitter. Criteria: ARUP Molecular Germline Variant Investigation Process 2024. Collection method: clinical testing. Allele origin: germline.

Myriad Genetics, Inc.
Classification: Benign for Familial cancer of breast. Last evaluated: 2024-04-22. Review status: criteria provided, single submitter. Criteria: Myriad Autosomal Dominant, Autosomal Recessive and X-Linked Classification Criteria (2023). Collection method: clinical testing. Allele origin: unknown.
Comment: This variant is considered benign. This variant is a silent/synonymous amino acid change and it is not expected to impact splicing.

Sema4
Classification: Likely benign for Hereditary cancer-predisposing syndrome. Last evaluated: 2022-03-02. Review status: criteria provided, single submitter. Criteria: Sema4 Curation Guidelines. Collection method: curation. Allele origin: germline.

GeneDx
Classification: Likely benign. Last evaluated: 2021-06-13. Review status: criteria provided, single submitter. Criteria: GeneDx Variant Classification Process June 2021. Collection method: clinical testing. Allele origin: germline. Affected: yes.

Women's Health and Genetics/Laboratory Corporation of America, LabCorp
Classification: Likely benign. Last evaluated: 2019-08-21. Review status: criteria provided, single submitter. Criteria: LabCorp Variant Classification Summary - May 2015. Collection method: clinical testing. Allele origin: germline.

Color Diagnostics, LLC DBA Color Health
Classification: Likely benign for Hereditary cancer-predisposing syndrome. Last evaluated: 2017-01-03. Review status: criteria provided, single submitter. Criteria: ACMG Guidelines, 2015. Collection method: clinical testing. Allele origin: germline.

Ambry Genetics
Classification: Likely benign for Hereditary cancer-predisposing syndrome. Last evaluated: 2015-04-10. Review status: criteria provided, single submitter. Criteria: Ambry Variant Classification Scheme 2023. Collection method: clinical testing. Allele origin: germline.

PreventionGenetics, part of Exact Sciences
Classification: Likely benign for ATM-related condition. Last evaluated: 2019-04-09. Review status: no assertion criteria provided. Collection method: clinical testing. Allele origin: germline. Not counted in ClinVar's aggregate classification.
Comment: This variant is classified as likely benign based on ACMG/AMP sequence variant interpretation guidelines (Richards et al. 2015 PMID: 25741868, with internal and published modifications).

NM_000051.4(ATM):c.702A>G (p.Ala234=)

Gene: ATM (ATM serine/threonine kinase; plus strand). Cytogenetic location: 11q22.3.
Variant type: single nucleotide variant.
Coding change: c.702A>G on transcript NM_000051.4 (MANE Select); coding-DNA position 702, A replaced by G.
Protein change: p.Ala234=; no amino-acid change (alanine 234 retained).
Molecular consequence: synonymous variant.
Genome position (GRCh38, 1-based): chr11:108,244,827, A>G. VCF-style: chr11-108244827-A-G. GRCh37 (hg19) VCF-style: chr11-108115554-A-G.
Other names: c.702A>G, p.Ala234= (NM_001351834.2).
Identifiers: ClinVar variation 220692 (VCV000220692.25), dbSNP rs752751588, ClinGen allele CA349678.